The following is an entry in ClinVar:

ClinVar aggregate classification (germline): Likely benign. Review status: criteria provided, multiple submitters, no conflicts (2 of 4 stars). 4 submissions from 4 submitters: Likely benign (3). 1 of the submissions does not count toward it. Last evaluated 2026-01-26.

Conditions:
ADA-related disorder. Also called: ADA-related condition.
Severe combined immunodeficiency, autosomal recessive, T cell-negative, B cell-negative, NK cell-negative, due to adenosine deaminase deficiency. Also called: SCID DUE TO ADA DEFICIENCY; SCID DUE TO ADA DEFICIENCY, EARLY-ONSET; ADA-SCID; ADA deficiency; Adenosine deaminase deficient severe combined immunodeficiency; Severe combined immunodeficiency due to ADA deficiency. Identifiers: Orphanet 277, MedGen C0392607, MONDO:0007064, OMIM 102700.

Allele frequency attached by ClinVar (database versions not stated): gnomAD 0.00006; TOPMed 0.00011.
gnomAD v4.1: 40 of 1,614,010 alleles (0.0025%); highest among the groups gnomAD compares: Admixed American, 0.063%; no homozygotes.

Submissions (4):

Labcorp Genetics (formerly Invitae), Labcorp
Classification: Likely benign for Severe combined immunodeficiency, autosomal recessive, T cell-negative, B cell-negative, NK cell-negative, due to adenosine deaminase deficiency. Last evaluated: 2026-01-26. Review status: criteria provided, single submitter. Criteria: Invitae Variant Classification Sherloc (09022015). Collection method: clinical testing. Allele origin: germline.

Women's Health and Genetics/Laboratory Corporation of America, LabCorp
Classification: Likely benign. Last evaluated: 2024-05-29. Review status: criteria provided, single submitter. Criteria: LabCorp Variant Classification Summary - May 2015. Collection method: clinical testing. Allele origin: germline.

Blueprint Genetics
Classification: Likely benign. Last evaluated: 2020-06-12. Review status: criteria provided, single submitter. Criteria: ACMG Guidelines, 2015. Collection method: clinical testing. Allele origin: germline.

PreventionGenetics, part of Exact Sciences
Classification: Likely benign for ADA-related condition. Last evaluated: 2020-04-20. Review status: no assertion criteria provided. Collection method: clinical testing. Allele origin: germline. Not counted in ClinVar's aggregate classification.
Comment: This variant is classified as likely benign based on ACMG/AMP sequence variant interpretation guidelines (Richards et al. 2015 PMID: 25741868, with internal and published modifications).

NM_000022.4(ADA):c.937C>A (p.Arg313=)

Gene: ADA (adenosine deaminase; minus strand). Cytogenetic location: 20q13.12.
Variant type: single nucleotide variant.
Coding change: c.937C>A on transcript NM_000022.4 (MANE Select); coding-DNA position 937, C replaced by A.
Protein change: p.Arg313=; no amino-acid change (arginine 313 retained).
Molecular consequence: synonymous variant. On other transcripts: non-coding transcript variant (1).
Genome position (GRCh38, 1-based): chr20:44,621,056, G>T on the plus strand (C>A on the coding strand, the complement: ADA is on the minus strand). VCF-style: chr20-44621056-G-T. GRCh37 (hg19) VCF-style: chr20-43249697-G-T.
Other names: c.937C>A (NM_000022.3); c.532C>A, p.Arg178= (NM_001322050.2); c.865C>A, p.Arg289= (NM_001322051.2).
Identifiers: ClinVar variation 703230 (VCV000703230.16), dbSNP rs79249850, ClinGen allele CA9871462.